The following is an entry in ClinVar:

ClinVar aggregate classification (germline): Uncertain significance (1 of 4 stars; one submission).

Conditions:
Trichorhinophalangeal dysplasia type I (TRPS1). Also called: TRPS I; TRICHORHINOPHALANGEAL SYNDROME, TYPE I. Identifiers: Orphanet 77258, MedGen C0432233, MONDO:0008596, OMIM 190350.
Trichorhinophalangeal syndrome, type III (TRPS3). Also called: SUGIO-KAJII SYNDROME. Identifiers: Orphanet 77258, MedGen C1860823, OMIM 190351, MONDO:0008597.

Submission:

Labcorp Genetics (formerly Invitae), Labcorp
Classification: Uncertain significance for Trichorhinophalangeal syndrome, type III; Trichorhinophalangeal dysplasia type I. Last evaluated: 2019-11-26. Review status: criteria provided, single submitter. Criteria: Invitae Variant Classification Sherloc (09022015). Collection method: clinical testing. Allele origin: germline.
Comment: In summary, the available evidence is currently insufficient to determine the role of this variant in disease. Therefore, it has been classified as a Variant of Uncertain Significance. Algorithms developed to predict the effect of missense changes on protein structure and function (SIFT, PolyPhen-2, Align-GVGD) all suggest that this variant is likely to be disruptive, but these predictions have not been confirmed by published functional studies and their clinical significance is uncertain. This variant has not been reported in the literature in individuals with TRPS1-related conditions. This variant is not present in population databases (ExAC no frequency). This sequence change replaces lysine with threonine at codon 964 of the TRPS1 protein (p.Lys964Thr). The lysine residue is highly conserved and there is a moderate physicochemical difference between lysine and threonine.

NM_014112.5(TRPS1):c.2891A>C (p.Lys964Thr)

Gene: TRPS1 (transcriptional repressor GATA binding 1; minus strand). Cytogenetic location: 8q23.3.
Variant type: single nucleotide variant.
Coding change: c.2891A>C on transcript NM_014112.5 (MANE Select); coding-DNA position 2891, A replaced by C.
Protein change: p.Lys964Thr; replaces lysine 964 with threonine.
Molecular consequence: missense variant.
Genome position (GRCh38, 1-based): chr8:115,415,017, T>G on the plus strand (A>C on the coding strand, the complement: TRPS1 is on the minus strand). VCF-style: chr8-115415017-T-G. GRCh37 (hg19) VCF-style: chr8-116427245-T-G.
Other names: c.2864A>C, p.Lys955Thr (NM_001282902.3); c.2870A>C, p.Lys957Thr (NM_001282903.3); c.2852A>C, p.Lys951Thr (NM_001330599.2); short protein forms K964T, K951T, K957T, K955T.
Identifiers: ClinVar variation 844882 (VCV000844882.9), dbSNP rs1812883227, ClinGen allele CA372063992.